The following is an entry in ClinVar:

ClinVar aggregate classification (germline): Uncertain significance (1 of 4 stars; one submission).

Conditions:
Sphingolipid activator protein 1 deficiency. Also called: Metachromatic leukodystrophy due to saposin B deficiency; Saposin B Deficiency; METACHROMATIC LEUKODYSTROPHY DUE TO CEREBROSIDE SULFATASE ACTIVATOR DEFICIENCY. Identifiers: Orphanet 512, MedGen C0268262, MONDO:0009590, OMIM 249900.

Allele frequency attached by ClinVar (database versions not stated): ExAC 0.00001; gnomAD exomes 0.00001.
gnomAD v4.1: 17 of 1,614,202 alleles (0.0011%); highest among the groups gnomAD compares: Non-Finnish European, 0.0013%; no homozygotes.

Submission:

Labcorp Genetics (formerly Invitae), Labcorp
Classification: Uncertain significance for Sphingolipid activator protein 1 deficiency. Last evaluated: 2022-06-27. Review status: criteria provided, single submitter. Criteria: Invitae Variant Classification Sherloc (09022015). Collection method: clinical testing. Allele origin: germline.
Comment: This sequence change replaces glycine, which is neutral and non-polar, with serine, which is neutral and polar, at codon 407 of the PSAP protein (p.Gly407Ser). This variant is present in population databases (rs753089339, gnomAD 0.0009%). This variant has not been reported in the literature in individuals affected with PSAP-related conditions. Algorithms developed to predict the effect of missense changes on protein structure and function are either unavailable or do not agree on the potential impact of this missense change (SIFT: "Not Available"; PolyPhen-2: "Possibly Damaging"; Align-GVGD: "Not Available"). In summary, the available evidence is currently insufficient to determine the role of this variant in disease. Therefore, it has been classified as a Variant of Uncertain Significance.

NM_002778.4(PSAP):c.1219G>A (p.Gly407Ser)

Gene: PSAP (prosaposin; minus strand). Cytogenetic location: 10q22.1.
Variant type: single nucleotide variant.
Coding change: c.1219G>A on transcript NM_002778.4 (MANE Select); coding-DNA position 1219, G replaced by A.
Protein change: p.Gly407Ser; replaces glycine 407 with serine.
Molecular consequence: missense variant.
Genome position (GRCh38, 1-based): chr10:71,819,596, C>T on the plus strand (G>A on the coding strand, the complement: PSAP is on the minus strand). VCF-style: chr10-71819596-C-T. GRCh37 (hg19) VCF-style: chr10-73579353-C-T.
Other names: c.1228G>A, p.Gly410Ser (NM_001042465.3); c.1225G>A, p.Gly409Ser (NM_001042466.3); short protein forms G409S, G410S, G407S.
Identifiers: ClinVar variation 1370280 (VCV001370280.5), dbSNP rs753089339, ClinGen allele CA5547428.
Genomic context (GRCh38, chr10:71,819,596, plus strand): 5'-TGTTTTTCTCCAGGTTGCGATCCAAATAACCCACCAGCTTCTTGCACACTTCGCAGAAGC[C>T]ACCGTCCTTTGGCTGAGTCACGTGAACTACATAAGAGGGCAGCGGGCTCAACGCTGGCAG-3'
Protein context (NP_002769.1, residues 397-417): TVHVTQPKDG[Gly407Ser]FCEVCKKLVG